The following is an entry in ClinVar:

NM_004284.6(CHD1L):c.1323T>C (p.Ser441=)

Gene: CHD1L (chromodomain helicase DNA binding protein 1 like; plus strand). Cytogenetic location: 1q21.1.
Variant type: single nucleotide variant.
Coding change: c.1323T>C on transcript NM_004284.6 (MANE Select); coding-DNA position 1323, T replaced by C.
Protein change: p.Ser441=; no amino-acid change (serine 441 retained).
Molecular consequence: synonymous variant. On other transcripts: non-coding transcript variant (16).
Genome position (GRCh38, 1-based): chr1:147,275,406, T>C. VCF-style: chr1-147275406-T-C. GRCh37 (hg19) VCF-style: chr1-146747069-T-C.
Other names: c.1023T>C, p.Ser341= (NM_001256336.3); c.480T>C, p.Ser160= (NM_001256337.3, NM_001348456.2, NM_001348457.2 and 9 more transcripts); c.711T>C, p.Ser237= (NM_001256338.3); c.1107T>C, p.Ser369= (NM_001348451.2, NM_001348452.2); c.984T>C, p.Ser328= (NM_001348453.2, NM_024568.4); c.867T>C, p.Ser289= (NM_001348454.2); c.834T>C, p.Ser278= (NM_001348455.2).
Identifiers: ClinVar variation 3050020 (VCV003050020.2), dbSNP rs2275250, ClinGen allele CA1063652.

ClinVar aggregate classification (germline): Benign (0 of 4 stars; one submission).

Conditions:
CHD1L-related disorder. Also called: CHD1L-related condition.

Allele frequency attached by ClinVar (database versions not stated): ESP Exome Variant Server 0.00054; gnomAD exomes 0.00116; gnomAD 0.00208; TOPMed 0.00232; ExAC 0.00337; 1000 Genomes Project 30x 0.00531; 1000 Genomes Project 0.00659.
gnomAD v4.1: 2,073 of 1,614,158 alleles (0.13%); highest among the groups gnomAD compares: East Asian, 2.8%; 30 homozygotes.

Submission:

PreventionGenetics, part of Exact Sciences
Classification: Benign for CHD1L-related condition. Last evaluated: 2019-03-04. Review status: no assertion criteria provided. Collection method: clinical testing. Allele origin: germline.
Comment: This variant is classified as benign based on ACMG/AMP sequence variant interpretation guidelines (Richards et al. 2015 PMID: 25741868, with internal and published modifications).